The following is an entry in ClinVar:

NM_001377142.1(PLCB4):c.1738A>G (p.Met580Val)

Gene: PLCB4 (phospholipase C beta 4; plus strand). Cytogenetic location: 20p12.2.
Variant type: single nucleotide variant.
Coding change: c.1738A>G on transcript NM_001377142.1 (MANE Select); coding-DNA position 1738, A replaced by G.
Protein change: p.Met580Val; replaces methionine 580 with valine.
Molecular consequence: missense variant.
Genome position (GRCh38, 1-based): chr20:9,408,007, A>G. VCF-style: chr20-9408007-A-G. GRCh37 (hg19) VCF-style: chr20-9388654-A-G.
Other names: c.1702A>G, p.Met568Val (NM_000933.4, NM_001377134.2, NM_001377135.1 and 2 more transcripts); c.1738A>G, p.Met580Val (NM_001172646.2, NM_001377143.1); short protein forms M568V, M580V.
Identifiers: ClinVar variation 339567 (VCV000339567.7), dbSNP rs369233949, ClinGen allele CA9761193.
Genomic context (GRCh38, chr20:9,408,007, plus strand): 5'-TGGATGGCATCTTATAAATATGTAGGTGCTACCACTAATATCCATCCATATTTGTCCACA[A>G]TGATCAACTACGCCCAGCCTGTAAAGTTTCAAGGTTTCCATGTGGCAGAAGGTAACACCA-3'
Protein context (NP_001364071.1, residues 570-590): TTNIHPYLST[Met580Val]INYAQPVKFQ

ClinVar aggregate classification (germline): Conflicting classifications of pathogenicity. Review status: criteria provided, conflicting classifications (1 of 4 stars). 2 submissions from 2 submitters: Uncertain significance (1); Benign (1). Last evaluated 2026-06-11.

Conditions:
Auriculocondylar syndrome 2 (ARCND2A). Also called: AURICULOCONDYLAR SYNDROME 2A. Identifiers: Orphanet 137888, MedGen C3553404, MONDO:0013845, OMIM 614669.
Inborn genetic diseases. Identifiers: MedGen C0950123, MeSH D030342.

Allele frequency attached by ClinVar (database versions not stated): TOPMed 0.00002; ESP Exome Variant Server 0.00008; ExAC 0.00021; gnomAD 0.00002; gnomAD exomes 0.00011 and 0.00008.
gnomAD v4.1: 114 of 1,613,646 alleles (0.0071%); highest among the groups gnomAD compares: South Asian, 0.023%; no homozygotes.

Submissions (2):

Ambry Genetics
Classification: Uncertain significance for Inborn genetic diseases. Last evaluated: 2026-06-11. Review status: criteria provided, single submitter. Criteria: Ambry Variant Classification Scheme 2023. Collection method: clinical testing. Allele origin: germline.

Illumina Laboratory Services, Illumina
Classification: Benign for Auriculocondylar syndrome 2. Last evaluated: 2018-01-13. Review status: criteria provided, single submitter. Criteria: ICSL Variant Classification Criteria 13 December 2019. Collection method: clinical testing. Allele origin: germline.
Comment: This variant was observed in the ICSL laboratory as part of a predisposition screen in an ostensibly healthy population. It had not been previously curated by ICSL or reported in the Human Gene Mutation Database (HGMD: prior to June 1st, 2018), and was therefore a candidate for classification through an automated scoring system. Utilizing variant allele frequency, disease prevalence and penetrance estimates, and inheritance mode, an automated score was calculated to assess if this variant is too frequent to cause the disease. Based on the score and internal cut-off values, a variant classified as benign is not then subjected to further curation. The score for this variant resulted in a classification of benign for this disease.